The following is an entry in ClinVar:

NM_001041.4(SI):c.2342A>G (p.Tyr781Cys)

Gene: SI (sucrase-isomaltase; minus strand). Cytogenetic location: 3q26.1.
Variant type: single nucleotide variant.
Coding change: c.2342A>G on transcript NM_001041.4 (MANE Select); coding-DNA position 2342, A replaced by G.
Protein change: p.Tyr781Cys; replaces tyrosine 781 with cysteine.
Molecular consequence: missense variant.
Genome position (GRCh38, 1-based): chr3:165,037,984, T>C on the plus strand (A>G on the coding strand, the complement: SI is on the minus strand). VCF-style: chr3-165037984-T-C. GRCh37 (hg19) VCF-style: chr3-164755772-T-C.
Other names: c.2342A>G (NM_001041.3); short protein forms Y781C.
Identifiers: ClinVar variation 1929611 (VCV001929611.3), dbSNP rs138275610, ClinGen allele CA86536020.
Genomic context (GRCh38, chr3:165,037,984, plus strand): 5'-TCTTGAATGGGGATGATATAACCTCCTCTAAGATGTAATCCTATTTTGTCTGCTGGAAGA[T>C]ACATATCAACCCGTTGTTTCCTCCATGGCCTTTTTGCACCCTAATAATTGGAAGATTAAA-3'
Protein context (NP_001032.2, residues 771-791): RPWRKQRVDM[Tyr781Cys]LPADKIGLHL

ClinVar aggregate classification (germline): Uncertain significance. Review status: criteria provided, multiple submitters, no conflicts (2 of 4 stars). 2 submissions from 2 submitters: Uncertain significance (2). Last evaluated 2024-05-28.

Conditions:
Inborn genetic diseases. Identifiers: MedGen C0950123, MeSH D030342.

gnomAD v4.1: 8 of 1,609,180 alleles (0.0005%); highest among the groups gnomAD compares: Middle Eastern, 0.017%; no homozygotes.

Submissions (2):

Ambry Genetics
Classification: Uncertain significance for Inborn genetic diseases. Last evaluated: 2024-05-28. Review status: criteria provided, single submitter. Criteria: Ambry Variant Classification Scheme 2023. Collection method: clinical testing. Allele origin: germline.

Labcorp Genetics (formerly Invitae), Labcorp
Classification: Uncertain significance. Last evaluated: 2022-09-17. Review status: criteria provided, single submitter. Criteria: Invitae Variant Classification Sherloc (09022015). Collection method: clinical testing. Allele origin: germline.
Comment: This sequence change replaces tyrosine, which is neutral and polar, with cysteine, which is neutral and slightly polar, at codon 781 of the SI protein (p.Tyr781Cys). This variant is not present in population databases (gnomAD no frequency). This variant has not been reported in the literature in individuals affected with SI-related conditions. Advanced modeling of protein sequence and biophysical properties (such as structural, functional, and spatial information, amino acid conservation, physicochemical variation, residue mobility, and thermodynamic stability) has been performed at Invitae for this missense variant, however the output from this modeling did not meet the statistical confidence thresholds required to predict the impact of this variant on SI protein function. In summary, the available evidence is currently insufficient to determine the role of this variant in disease. Therefore, it has been classified as a Variant of Uncertain Significance.